The following is an entry in ClinVar:

ClinVar aggregate classification (germline): Conflicting classifications of pathogenicity. Review status: criteria provided, conflicting classifications (1 of 4 stars). 8 submissions from 8 submitters: Pathogenic (2); Likely pathogenic (5); Uncertain significance (1). Last evaluated 2026-01-14.

Conditions:
EYS-related disorder. Also called: EYS-related condition.
Retinitis pigmentosa 25 (RP25). Identifiers: Orphanet 791, MedGen C1864446, MONDO:0011272, OMIM 602772.
Retinal dystrophy. Also called: Inherited retinal dystrophy. Identifiers: Orphanet 71862, MedGen C0854723, MeSH D058499, MONDO:0019118, HP:0000556.

Allele frequency attached by ClinVar (database versions not stated): gnomAD 0.00001; gnomAD exomes 0.00001; TOPMed 0.00002.
gnomAD v4.1: 20 of 1,551,234 alleles (0.0013%); highest among the groups gnomAD compares: Admixed American, 0.0078%; no homozygotes.

Submissions (8):

Labcorp Genetics (formerly Invitae), Labcorp
Classification: Pathogenic. Last evaluated: 2026-01-14. Review status: criteria provided, single submitter. Criteria: Invitae Variant Classification Sherloc (09022015). Collection method: clinical testing. Allele origin: germline.
Comment: This sequence change replaces isoleucine, which is neutral and non-polar, with threonine, which is neutral and polar, at codon 3020 of the EYS protein (p.Ile3020Thr). This variant is present in population databases (no rsID available, gnomAD 0.004%). This missense change has been observed in individuals with retinitis pigmentosa (PMID: 26787102, 31213501, 36819107; internal data). ClinVar contains an entry for this variant (Variation ID: 853016). Invitae Evidence Modeling of protein sequence and biophysical properties (such as structural, functional, and spatial information, amino acid conservation, physicochemical variation, residue mobility, and thermodynamic stability) indicates that this missense variant is expected to disrupt EYS protein function with a positive predictive value of 80%. For these reasons, this variant has been classified as Pathogenic.

Natera, Inc.
Classification: Likely pathogenic for Retinitis pigmentosa type 25. Last evaluated: 2025-11-14. Review status: criteria provided, single submitter. Criteria: Natera Variant Classification Schema (03/2026). Collection method: clinical testing. Allele origin: germline.
Comment: The c.9059T>C variant in EYS is a missense variant predicted to cause substitution of isoleucine to threonine at amino acid 3020. This variant is rare in the general population with a frequency below the threshold expected for the associated phenotype(s). This variant has been observed in one or more individuals affected with the associated recessive disease, as either homozygous or compound heterozygous with a second variant (PMID: 26787102, 36819107, 39462066). Computational prediction algorithms indicate this variant is likely to affect gene or protein function. Given the available evidence, this variant is classified as Likely Pathogenic.

Fulgent Genetics
Classification: Likely pathogenic for Retinitis pigmentosa 25. Last evaluated: 2024-02-13. Review status: criteria provided, single submitter. Criteria: ACMG Guidelines, 2015. Collection method: clinical testing. Allele origin: germline.

Baylor Genetics
Classification: Likely pathogenic for Retinitis pigmentosa 25. Last evaluated: 2023-12-30. Review status: criteria provided, single submitter. Criteria: ACMG Guidelines, 2015. Collection method: clinical testing. Allele origin: unknown.

Dept Of Ophthalmology, Nagoya University
Classification: Uncertain significance for Retinal dystrophy. Last evaluated: 2023-10-01. Review status: criteria provided, single submitter. Criteria: Submitter's publication. Collection method: research. Allele origin: germline. Affected: yes.

Blueprint Genetics
Classification: Likely pathogenic for EYS-related disorders. Last evaluated: 2022-09-06. Review status: criteria provided, single submitter. Criteria: ACMG Guidelines, 2015. Collection method: clinical testing. Allele origin: germline. Affected: yes. Observed: 4 variant alleles.

Mendelics
Classification: Pathogenic for Retinitis pigmentosa 25. Last evaluated: 2022-05-04. Review status: criteria provided, single submitter. Criteria: Mendelics Assertion Criteria 2019. Collection method: clinical testing. Allele origin: germline.

Institute of Human Genetics, Univ. Regensburg, Univ. Regensburg
Classification: Likely pathogenic for Retinal dystrophy. Last evaluated: 2020-01-01. Review status: criteria provided, single submitter. Criteria: ACMG Guidelines, 2015. Collection method: clinical testing. Allele origin: germline. Affected: yes.

Literature cited by the submitters: PubMed 26787102 (cited by 3 submitters); PubMed 31213501 (cited by Labcorp Genetics (formerly Invitae), Labcorp and Institute of Human Genetics, Univ. Regensburg, Univ. Regensburg); PubMed 36819107 (cited by 3 submitters); PubMed 39462066 (cited by Natera, Inc.).

NM_001142800.2(EYS):c.9059T>C (p.Ile3020Thr)

Genes: EYS (EGF-like photoreceptor maintenance factor; minus strand), PHF3 (PHD finger protein 3; plus strand). Cytogenetic location: 6q12.
Variant type: single nucleotide variant.
Coding change: c.9059T>C on transcript NM_001142800.2 (MANE Select); coding-DNA position 9059, T replaced by C.
Protein change: p.Ile3020Thr; replaces isoleucine 3020 with threonine.
Molecular consequence: missense variant. On other transcripts: 3 prime UTR variant (5).
Genome position (GRCh38, 1-based): chr6:63,720,972, A>G on the plus strand (T>C on the coding strand, the complement: EYS is on the minus strand). VCF-style: chr6-63720972-A-G. GRCh37 (hg19) VCF-style: chr6-64430868-A-G.
Other names: c.*7264A>G (NM_001290259.2, NM_001370348.2, NM_001370349.2 and 2 more transcripts); c.9122T>C, p.Ile3041Thr (NM_001292009.2); short protein forms I3041T, I3020T.
Identifiers: ClinVar variation 853016 (VCV000853016.15), dbSNP rs948998853, ClinGen allele CA140236806.